The following is an entry in ClinVar:

NM_001368809.2(AMPD2):c.2475A>G (p.Gln825=)

Gene: AMPD2 (adenosine monophosphate deaminase 2; plus strand). Cytogenetic location: 1p13.3.
Variant type: single nucleotide variant.
Coding change: c.2475A>G on transcript NM_001368809.2 (MANE Select); coding-DNA position 2475, A replaced by G.
Protein change: p.Gln825=; no amino-acid change (glutamine 825 retained).
Molecular consequence: synonymous variant.
Genome position (GRCh38, 1-based): chr1:109,631,149, A>G. VCF-style: chr1-109631149-A-G. GRCh37 (hg19) VCF-style: chr1-110173771-A-G.
Other names: c.2637A>G (NM_001257360.1); c.2283A>G, p.Gln761= (NM_001257361.2); c.2412A>G, p.Gln804= (NM_001308170.1); c.2475A>G, p.Gln825= (NM_004037.9); c.2394A>G, p.Gln798= (NM_139156.4).
Identifiers: ClinVar variation 1673989 (VCV001673989.35), dbSNP rs553448801, ClinGen allele CA993404.

ClinVar aggregate classification (germline): Benign/Likely benign. Review status: criteria provided, multiple submitters, no conflicts (2 of 4 stars). 6 submissions from 5 submitters: Benign (3); Likely benign (2). 1 of the submissions does not count toward it. Last evaluated 2026-01-26.

Conditions:
Pontocerebellar hypoplasia type 9. Identifiers: Orphanet 369920, MedGen C4014354, MONDO:0014351, OMIM 615809.
AMPD2-related disorder. Also called: AMPD2-related condition.
Hereditary spastic paraplegia 63. Also called: Spastic paraplegia 63, autosomal recessive. Identifiers: Orphanet 401805, MedGen C3810295, MONDO:0014305, OMIM 615686.

Allele frequency attached by ClinVar (database versions not stated): TOPMed 0.00002; gnomAD 0.00017; 1000 Genomes Project 30x 0.00078; 1000 Genomes Project 0.00080; ExAC 0.00125.
gnomAD v4.1: 482 of 1,577,874 alleles (0.031%); highest among the groups gnomAD compares: South Asian, 0.53%; 9 homozygotes.

Submissions (6):

Labcorp Genetics (formerly Invitae), Labcorp
Classification: Benign for Pontocerebellar hypoplasia type 9; Hereditary spastic paraplegia 63. Last evaluated: 2026-01-26. Review status: criteria provided, single submitter. Criteria: Invitae Variant Classification Sherloc (09022015). Collection method: clinical testing. Allele origin: germline.

CeGaT Center for Human Genetics Tuebingen
Classification: Likely benign. Last evaluated: 2023-05-01. Review status: criteria provided, single submitter. Criteria: CeGaT Center For Human Genetics Tuebingen Variant Classification Criteria Version 2. Collection method: clinical testing. Allele origin: germline. Affected: yes. Observed: 1 variant allele.
Comment: AMPD2: BP4, BP7, BS2

Genome-Nilou Lab
Classification: Benign for Hereditary spastic paraplegia 63. Last evaluated: 2023-04-11. Review status: criteria provided, single submitter. Criteria: ACMG Guidelines, 2015. Collection method: clinical testing. Allele origin: germline. Affected: no.

Genome-Nilou Lab
Classification: Benign for Pontocerebellar hypoplasia type 9. Last evaluated: 2023-04-11. Review status: criteria provided, single submitter. Criteria: ACMG Guidelines, 2015. Collection method: clinical testing. Allele origin: germline. Affected: no.

Fulgent Genetics
Classification: Likely benign for Hereditary spastic paraplegia 63; Pontocerebellar hypoplasia type 9. Last evaluated: 2021-07-24. Review status: criteria provided, single submitter. Criteria: ACMG Guidelines, 2015. Collection method: clinical testing. Allele origin: unknown.

PreventionGenetics, part of Exact Sciences
Classification: Likely benign for AMPD2-related condition. Last evaluated: 2019-11-27. Review status: no assertion criteria provided. Collection method: clinical testing. Allele origin: germline. Not counted in ClinVar's aggregate classification.
Comment: This variant is classified as likely benign based on ACMG/AMP sequence variant interpretation guidelines (Richards et al. 2015 PMID: 25741868, with internal and published modifications).